The following is an entry in ClinVar:

NM_000715.4(C4BPA):c.675T>C (p.Gly225=)

Gene: C4BPA (complement component 4 binding protein alpha; plus strand). Cytogenetic location: 1q32.2.
Variant type: single nucleotide variant.
Coding change: c.675T>C on transcript NM_000715.4 (MANE Select); coding-DNA position 675, T replaced by C.
Protein change: p.Gly225=; no amino-acid change (glycine 225 retained).
Molecular consequence: synonymous variant.
Genome position (GRCh38, 1-based): chr1:207,124,335, T>C. VCF-style: chr1-207124335-T-C. GRCh37 (hg19) VCF-style: chr1-207297680-T-C.
Identifiers: ClinVar variation 402444 (VCV000402444.7), dbSNP rs1126618, ClinGen allele CA1367605.

ClinVar aggregate classification (germline): Benign/Likely benign. Review status: criteria provided, multiple submitters, no conflicts (2 of 4 stars). 4 submissions from 4 submitters: Benign (3); Likely benign (1). Last evaluated 2024-11-26.

Allele frequency attached by ClinVar (database versions not stated): gnomAD exomes 0.84516 and 0.85506; ExAC 0.85448; 1000 Genomes Project 0.85783; TOPMed 0.86010; gnomAD 0.86019 and 0.86123; ESP Exome Variant Server 0.86099; 1000 Genomes Project 30x 0.86102.
gnomAD v4.1: 1,364,496 of 1,612,826 alleles (85%); highest among the groups gnomAD compares: African/African-American, 90%; 578,171 homozygotes.

Submissions (4):

Blueprint Genetics
Classification: Likely benign. Last evaluated: 2024-11-26. Review status: criteria provided, single submitter. Criteria: ACMG Guidelines, 2015. Collection method: clinical testing. Allele origin: germline.

GeneDx
Classification: Benign. Last evaluated: 2018-11-10. Review status: criteria provided, single submitter. Criteria: GeneDx Variant Classification Process June 2021. Collection method: clinical testing. Allele origin: germline. Affected: yes.

Laboratory for Molecular Medicine, Mass General Brigham Personalized Medicine
Classification: Benign. Last evaluated: 2016-03-28. Review status: criteria provided, single submitter. Criteria: LMM Criteria. Collection method: clinical testing. Allele origin: germline.
Comment: Variant identified in a genome or exome case(s) and assessed due to predicted null impact of the variant or pathogenic assertions in the literature or databases. Disclaimer: This variant has not undergone full assessment. The following are preliminary notes: Frequency

Breakthrough Genomics
Classification: Benign. Review status: criteria provided, single submitter. Criteria: ACMG Guidelines, 2015. Collection method: not provided. Allele origin: germline. Inheritance: Unknown mechanism. Affected: yes.